The following is an entry in ClinVar:

ClinVar aggregate classification (germline): Conflicting classifications of pathogenicity. Review status: criteria provided, conflicting classifications (1 of 4 stars). 4 submissions from 4 submitters: Uncertain significance (3); Likely benign (1). Last evaluated 2023-11-21.

Conditions:
Microcephaly, normal intelligence and immunodeficiency (NBS). Also called: BERLIN BREAKAGE SYNDROME; Ataxia telangiectasia variant V1; IMMUNODEFICIENCY, MICROCEPHALY, AND CHROMOSOMAL INSTABILITY; SEEMANOVA SYNDROME II; Immunodeficiency, microcephaly with normal intelligence; Nijmegen breakage syndrome. Identifiers: Orphanet 647, MedGen C0398791, MONDO:0009623, OMIM 251260.
Aplastic anemia. Identifiers: Orphanet 182040, Orphanet 88, MedGen C0002874, MONDO:0015909, OMIM 609135, HP:0001915.
Acute lymphoid leukemia (ALL). Also called: Lymphoblastic leukemia; Leukemia, acute lymphoblastic, somatic; Acute lymphoblastic leukemia; Acute lymphocytic leukemia. Identifiers: Orphanet 513, MedGen C0023449, MONDO:0004967, OMIM 613065, HP:0006721.
Hereditary cancer-predisposing syndrome. Also called: Tumor predisposition; Neoplastic Syndromes, Hereditary; Hereditary Cancer Syndrome; Hereditary neoplastic syndrome. Identifiers: Orphanet 140162, MedGen C0027672, MeSH D009386, MONDO:0015356.

Submissions (4):

Ambry Genetics
Classification: Likely benign for Hereditary cancer-predisposing syndrome. Last evaluated: 2023-11-21. Review status: criteria provided, single submitter. Criteria: Ambry Variant Classification Scheme 2023. Collection method: clinical testing. Allele origin: germline.

Fulgent Genetics
Classification: Uncertain significance for Microcephaly, normal intelligence and immunodeficiency; Aplastic anemia; Acute lymphoid leukemia. Last evaluated: 2022-04-07. Review status: criteria provided, single submitter. Criteria: ACMG Guidelines, 2015. Collection method: clinical testing. Allele origin: unknown.

Labcorp Genetics (formerly Invitae), Labcorp
Classification: Uncertain significance for Microcephaly, normal intelligence and immunodeficiency. Last evaluated: 2022-02-22. Review status: criteria provided, single submitter. Criteria: Invitae Variant Classification Sherloc (09022015). Collection method: clinical testing. Allele origin: germline.
Comment: This sequence change replaces proline, which is neutral and non-polar, with threonine, which is neutral and polar, at codon 427 of the NBN protein (p.Pro427Thr). This variant is not present in population databases (gnomAD no frequency). This variant has not been reported in the literature in individuals affected with NBN-related conditions. ClinVar contains an entry for this variant (Variation ID: 485920). Algorithms developed to predict the effect of missense changes on protein structure and function (SIFT, PolyPhen-2, Align-GVGD) all suggest that this variant is likely to be tolerated. In summary, the available evidence is currently insufficient to determine the role of this variant in disease. Therefore, it has been classified as a Variant of Uncertain Significance.

Genome-Nilou Lab
Classification: Uncertain significance for Microcephaly, normal intelligence and immunodeficiency. Last evaluated: 2021-11-07. Review status: criteria provided, single submitter. Criteria: ACMG Guidelines, 2015. Collection method: clinical testing. Allele origin: germline. Affected: no.

NM_002485.5(NBN):c.1279C>A (p.Pro427Thr)

Gene: NBN (nibrin; minus strand). Cytogenetic location: 8q21.3.
Variant type: single nucleotide variant.
Coding change: c.1279C>A on transcript NM_002485.5 (MANE Select); coding-DNA position 1279, C replaced by A.
Protein change: p.Pro427Thr; replaces proline 427 with threonine.
Molecular consequence: missense variant.
Genome position (GRCh38, 1-based): chr8:89,955,401, G>T on the plus strand (C>A on the coding strand, the complement: NBN is on the minus strand). VCF-style: chr8-89955401-G-T. GRCh37 (hg19) VCF-style: chr8-90967629-G-T.
Other names: c.1033C>A, p.Pro345Thr (NM_001024688.3); short protein forms P427T, P345T.
Identifiers: ClinVar variation 485920 (VCV000485920.18), dbSNP rs1554559171, ClinGen allele CA371656207.